The following is an entry in ClinVar:

ClinVar aggregate classification (germline): Uncertain significance (1 of 4 stars; one submission).

Conditions:
Inborn genetic diseases. Identifiers: MedGen C0950123, MeSH D030342.

Submission:

Ambry Genetics
Classification: Uncertain significance for Inborn genetic diseases. Last evaluated: 2025-01-23. Review status: criteria provided, single submitter. Criteria: Ambry Variant Classification Scheme 2023. Collection method: clinical testing. Allele origin: germline.
Comment: The p.I136V variant (also known as c.406A>G), located in coding exon 5 of the DDX41 gene, results from an A to G substitution at nucleotide position 406. The isoleucine at codon 136 is replaced by valine, an amino acid with highly similar properties. This amino acid position is highly conserved in available vertebrate species. In addition, this alteration is predicted to be tolerated by in silico analysis. Based on the available evidence, the clinical significance of this variant remains unclear.

NM_016222.4(DDX41):c.406A>G (p.Ile136Val)

Gene: DDX41 (DEAD-box helicase 41; minus strand). Cytogenetic location: 5q35.3.
Variant type: single nucleotide variant.
Coding change: c.406A>G on transcript NM_016222.4 (MANE Select); coding-DNA position 406, A replaced by G.
Protein change: p.Ile136Val; replaces isoleucine 136 with valine.
Molecular consequence: missense variant.
Genome position (GRCh38, 1-based): chr5:177,515,957, T>C on the plus strand (A>G on the coding strand, the complement: DDX41 is on the minus strand). VCF-style: chr5-177515957-T-C. GRCh37 (hg19) VCF-style: chr5-176942958-T-C.
Other names: c.28A>G, p.Ile10Val (NM_001321732.2, NM_001321830.2); short protein forms I10V, I136V.
Identifiers: ClinVar variation 3838983 (VCV003838983.1).
Genomic context (GRCh38, chr5:177,515,957, plus strand): 5'-AGCAAGGGCAACTGCAGACTGTACAGACATACCTGGTTTTGATGGGGTCATCATACGTAA[T>C]GCCCTTAGCCATCTCCTTCACTGACATCAATGCTGAAGAGAGAGACATGGCTCAGGGCTG-3'
Protein context (NP_057306.2, residues 126-146): LMSVKEMAKG[Ile136Val]TYDDPIKTSW